The following is an entry in ClinVar:

NM_001298.3(CNGA3):c.150C>T (p.Ile50=)

Gene: CNGA3 (cyclic nucleotide gated channel subunit alpha 3; plus strand). Cytogenetic location: 2q11.2.
Variant type: single nucleotide variant.
Coding change: c.150C>T on transcript NM_001298.3 (MANE Select); coding-DNA position 150, C replaced by T.
Protein change: p.Ile50=; no amino-acid change (isoleucine 50 retained).
Molecular consequence: synonymous variant.
Genome position (GRCh38, 1-based): chr2:98,377,735, C>T. VCF-style: chr2-98377735-C-T. GRCh37 (hg19) VCF-style: chr2-98994198-C-T.
Other names: c.150C>T, p.Ile50= (NM_001079878.2); c.150C>T (NM_001298.2).
Identifiers: ClinVar variation 1096412 (VCV001096412.12), dbSNP rs759715897, ClinGen allele CA1793594.

ClinVar aggregate classification (germline): Likely benign. Review status: criteria provided, multiple submitters, no conflicts (2 of 4 stars). 4 submissions from 4 submitters: Likely benign (4). Last evaluated 2025-09-01.

Conditions:
Inborn genetic diseases. Identifiers: MedGen C0950123, MeSH D030342.
CNGA3-related disorder. Also called: CNGA3-related condition.

Allele frequency attached by ClinVar (database versions not stated): ExAC 0.00006; gnomAD 0.00017 and 0.00018; TOPMed 0.00022.
gnomAD v4.1: 124 of 1,613,304 alleles (0.0077%); highest among the groups gnomAD compares: Admixed American, 0.067%; no homozygotes.

Submissions (4):

Labcorp Genetics (formerly Invitae), Labcorp
Classification: Likely benign. Last evaluated: 2025-09-01. Review status: criteria provided, single submitter. Criteria: Invitae Variant Classification Sherloc (09022015). Collection method: clinical testing. Allele origin: germline.

PreventionGenetics, part of Exact Sciences
Classification: Likely benign for CNGA3-related condition. Last evaluated: 2025-04-15. Review status: criteria provided, single submitter. Criteria: ACMG Guidelines, 2015. Collection method: clinical testing. Allele origin: germline.
Comment: This variant is classified as likely benign based on ACMG/AMP sequence variant interpretation guidelines (Richards et al. 2015 PMID: 25741868, with internal and published modifications).

Ambry Genetics
Classification: Likely benign for Inborn genetic diseases. Last evaluated: 2025-02-08. Review status: criteria provided, single submitter. Criteria: Ambry Variant Classification Scheme 2023. Collection method: clinical testing. Allele origin: germline.

Blueprint Genetics
Classification: Likely benign. Last evaluated: 2024-08-20. Review status: criteria provided, single submitter. Criteria: ACMG Guidelines, 2015. Collection method: clinical testing. Allele origin: germline.